The following is an entry in ClinVar:

NM_020533.3(MCOLN1):c.694A>C (p.Thr232Pro)

Gene: MCOLN1 (mucolipin TRP cation channel 1; plus strand). Cytogenetic location: 19p13.2.
Variant type: single nucleotide variant.
Coding change: c.694A>C on transcript NM_020533.3 (MANE Select); coding-DNA position 694, A replaced by C.
Protein change: p.Thr232Pro; replaces threonine 232 with proline.
Molecular consequence: missense variant.
Genome position (GRCh38, 1-based): chr19:7,527,877, A>C. VCF-style: chr19-7527877-A-C. GRCh37 (hg19) VCF-style: chr19-7592763-A-C.
Other names: short protein forms T232P.
Identifiers: ClinVar variation 208021 (VCV000208021.20), dbSNP rs767122713, ClinGen allele CA347334.

ClinVar aggregate classification (germline): Pathogenic. Review status: criteria provided, multiple submitters, no conflicts (2 of 4 stars). 6 submissions from 6 submitters: Pathogenic (5). 1 of the submissions does not count toward it. Last evaluated 2025-12-03.

Conditions:
Mucolipidosis type IV (ML4). Also called: ML IV. Identifiers: Orphanet 578, MedGen C0238286, MONDO:0009653, OMIM 252650.
Lisch epithelial corneal dystrophy (LECD). Also called: BAND-SHAPED AND WHORLED MICROCYSTIC CORNEAL EPITHELIAL DYSTROPHY. Identifiers: Orphanet 98955, MedGen C2749050, MONDO:0010425, OMIM 620763.

Allele frequency attached by ClinVar (database versions not stated): gnomAD 0.00001; gnomAD exomes 0.00002 and 0.00005; ExAC 0.00003; TOPMed 0.00003.
gnomAD v4.1: 78 of 1,613,794 alleles (0.0048%); highest among the groups gnomAD compares: Non-Finnish European, 0.0062%; no homozygotes.

Submissions (6):

Labcorp Genetics (formerly Invitae), Labcorp
Classification: Pathogenic for Mucolipidosis type IV. Last evaluated: 2025-12-03. Review status: criteria provided, single submitter. Criteria: Invitae Variant Classification Sherloc (09022015). Collection method: clinical testing. Allele origin: germline.
Comment: This sequence change replaces threonine, which is neutral and polar, with proline, which is neutral and non-polar, at codon 232 of the MCOLN1 protein (p.Thr232Pro). This variant is present in population databases (rs767122713, gnomAD 0.004%). This missense change has been observed in individual(s) with mucolipidosis type IV (PMID: 11317355, 20159435, 30120981). In at least one individual the data is consistent with being in trans (on the opposite chromosome) from a pathogenic variant. ClinVar contains an entry for this variant (Variation ID: 208021). Invitae Evidence Modeling of protein sequence and biophysical properties (such as structural, functional, and spatial information, amino acid conservation, physicochemical variation, residue mobility, and thermodynamic stability) indicates that this missense variant is expected to disrupt MCOLN1 protein function with a positive predictive value of 95%. Experimental studies have shown that this missense change affects MCOLN1 function (PMID: 15178326, 18794901, 28112729). For these reasons, this variant has been classified as Pathogenic.

Natera, Inc.
Classification: Pathogenic for Mucolipidosis type IV. Last evaluated: 2025-07-21. Review status: criteria provided, single submitter. Criteria: Natera Variant Classification Schema (03/2026). Collection method: clinical testing. Allele origin: germline.
Comment: The c.694A>C variant in MCOLN1 is a missense variant predicted to cause substitution of threonine to proline at amino acid 232. This variant is rare in the general population with a frequency below the threshold expected for the associated phenotype(s). This variant has been observed in one or more individuals affected with the associated recessive disease, as either homozygous or compound heterozygous with a second variant (PMID: 33741364, 11317355). Computational prediction algorithms indicate this variant is likely to affect gene or protein function. Given the available evidence, this variant is classified as Pathogenic.

GeneDx
Classification: Pathogenic. Last evaluated: 2025-05-12. Review status: criteria provided, single submitter. Criteria: GeneDx Variant Classification Process June 2021. Collection method: clinical testing. Allele origin: germline. Affected: yes.
Comment: Published functional studies found this variant is associated with significantly reduced protein expression and protein mislocalization (PMID: 15178326); In silico analysis supports that this missense variant has a deleterious effect on protein structure/function; Not observed at significant frequency in large population cohorts (gnomAD); This variant is associated with the following publications: (PMID: 31589614, 20301393, 25465891, 17306511, 12125810, 28936784, 16257972, 25119295, 35425852, 37972748, 28112729, 18794901, 29019983, 35159355, 33741364, 11317355, 20159435, 30120981, 15178326, 21763169, 36522443)

Fulgent Genetics
Classification: Pathogenic for Mucolipidosis type IV; Lisch epithelial corneal dystrophy. Last evaluated: 2024-04-29. Review status: criteria provided, single submitter. Criteria: ACMG Guidelines, 2015. Collection method: clinical testing. Allele origin: germline.

Women's Health and Genetics/Laboratory Corporation of America, LabCorp
Classification: Pathogenic for Mucolipidosis type IV. Last evaluated: 2019-06-14. Review status: criteria provided, single submitter. Criteria: LabCorp Variant Classification Summary - May 2015. Collection method: clinical testing. Allele origin: germline.
Comment: Variant summary: MCOLN1 c.694A>C (p.Thr232Pro) results in a non-conservative amino acid change in the encoded protein sequence. Four of five in-silico tools predict a damaging effect of the variant on protein function. The variant allele was found at a frequency of 1.6e-05 in 251404 control chromosomes (gnomAD). The variant, c.694A>C, has been reported in the literature in individuals affected with Mucolipidosis Type 4 (Bargal_2001, Slaugenhaupt_2002, Geer_2010, Chaer_2018). These data indicate that the variant may be associated with disease. One publication, Dong_2008, reports this variant are shown to impair TRPML1s ability to permeate Fe2+ and residual activity is <10% of normal. One submitter has submitted clinical-significance assessments for this variant to ClinVar after 2014 without evidence for independent evaluation and classified the variant as pathogenic. Based on the evidence outlined above, the variant was classified as pathogenic.

GeneReviews
No classification provided. Condition: Mucolipidosis type IV. Review status: no classification provided. Collection method: literature only. Allele origin: germline. Not counted in ClinVar's aggregate classification.
Comment: Associated with severe phenotype

Literature cited by the submitters: PubMed 11317355 (cited by 3 submitters); PubMed 20159435 (cited by Labcorp Genetics (formerly Invitae), Labcorp and Women's Health and Genetics/Laboratory Corporation of America, LabCorp); PubMed 30120981 (cited by Labcorp Genetics (formerly Invitae), Labcorp and Women's Health and Genetics/Laboratory Corporation of America, LabCorp); PubMed 15178326 (cited by 3 submitters); PubMed 18794901 (cited by Labcorp Genetics (formerly Invitae), Labcorp and Women's Health and Genetics/Laboratory Corporation of America, LabCorp); PubMed 28112729 (cited by Labcorp Genetics (formerly Invitae), Labcorp and Women's Health and Genetics/Laboratory Corporation of America, LabCorp); PubMed 33741364 (cited by Natera, Inc.); PubMed 21763169 (cited by Women's Health and Genetics/Laboratory Corporation of America, LabCorp); PubMed 25119295 (cited by Women's Health and Genetics/Laboratory Corporation of America, LabCorp); PubMed 28936784 (cited by Women's Health and Genetics/Laboratory Corporation of America, LabCorp); PubMed 16257972 (cited by Women's Health and Genetics/Laboratory Corporation of America, LabCorp); PubMed 29019983 (cited by Women's Health and Genetics/Laboratory Corporation of America, LabCorp); PubMed 12125810 (cited by Women's Health and Genetics/Laboratory Corporation of America, LabCorp); PubMed 25465891 (cited by Women's Health and Genetics/Laboratory Corporation of America, LabCorp); PubMed 17306511 (cited by Women's Health and Genetics/Laboratory Corporation of America, LabCorp); NCBI Bookshelf NBK1214 (cited by GeneReviews).